The following is an entry in ClinVar:

NM_020778.5(ALPK3):c.2124G>C (p.Lys708Asn)

Gene: ALPK3 (alpha kinase 3; plus strand). Cytogenetic location: 15q25.3.
Variant type: single nucleotide variant.
Coding change: c.2124G>C on transcript NM_020778.5 (MANE Select); coding-DNA position 2124, G replaced by C.
Protein change: p.Lys708Asn; replaces lysine 708 with asparagine.
Molecular consequence: missense variant.
Genome position (GRCh38, 1-based): chr15:84,856,862, G>C. VCF-style: chr15-84856862-G-C. GRCh37 (hg19) VCF-style: chr15-85400093-G-C.
Other names: short protein forms K708N.
Identifiers: ClinVar variation 2968643 (VCV002968643.3), dbSNP rs2505719662, ClinGen allele CA393356027.
Genomic context (GRCh38, chr15:84,856,862, plus strand): 5'-AGATAAGGGCACACAGGAAGACAGAAGGATGCAGGGAGAGAAGGGGATGCAGGGAGAGAA[G>C]GGGACGCAGTCAGAGGGGAGCGCGCCCACAGCCATGGAAGGTCAGTCTGAGCAAGAGGTG-3'
Protein context (NP_065829.4, residues 698-718): MQGEKGMQGE[Lys708Asn]GTQSEGSAPT

ClinVar aggregate classification (germline): Uncertain significance (1 of 4 stars; one submission).

Submission:

Labcorp Genetics (formerly Invitae), Labcorp
Classification: Uncertain significance. Last evaluated: 2023-06-15. Review status: criteria provided, single submitter. Criteria: Invitae Variant Classification Sherloc (09022015). Collection method: clinical testing. Allele origin: germline.
Comment: This sequence change replaces lysine, which is basic and polar, with asparagine, which is neutral and polar, at codon 910 of the ALPK3 protein (p.Lys910Asn). This variant is not present in population databases (gnomAD no frequency). This variant has not been reported in the literature in individuals affected with ALPK3-related conditions. An algorithm developed to predict the effect of missense changes on protein structure and function (PolyPhen-2) suggests that this variant is likely to be tolerated. In summary, the available evidence is currently insufficient to determine the role of this variant in disease. Therefore, it has been classified as a Variant of Uncertain Significance.